The following is an entry in ClinVar:

NM_207122.2(EXT2):c.1250G>A (p.Arg417Gln)

Gene: EXT2 (exostosin glycosyltransferase 2; plus strand). Cytogenetic location: 11p11.2.
Variant type: single nucleotide variant.
Coding change: c.1250G>A on transcript NM_207122.2 (MANE Select); coding-DNA position 1250, G replaced by A.
Protein change: p.Arg417Gln; replaces arginine 417 with glutamine.
Molecular consequence: missense variant.
Genome position (GRCh38, 1-based): chr11:44,171,687, G>A. VCF-style: chr11-44171687-G-A. GRCh37 (hg19) VCF-style: chr11-44193237-G-A.
Other names: c.1349G>A, p.Arg450Gln (NM_000401.3); c.1280G>A, p.Arg427Gln (NM_001178083.3); c.1250G>A, p.Arg417Gln (NM_001389628.1, NM_001389630.1); short protein forms R450Q, R417Q, R427Q.
Identifiers: ClinVar variation 879622 (VCV000879622.12), dbSNP rs753542290, ClinGen allele CA5955201.
Genomic context (GRCh38, chr11:44,171,687, plus strand): 5'-AAGCGTACTTCCAGTCAATTAAAGCCATTGCCCTGGCCACCCTGCAGATTATCAATGACC[G>A]GATCTATCCATATGCTGCCATCTCCTATGAAGAATGGAATGACCCTCCTGCTGTGGTAAG-3'
Protein context (NP_997005.1, residues 407-427): ALATLQIIND[Arg417Gln]IYPYAAISYE

ClinVar aggregate classification (germline): Conflicting classifications of pathogenicity. Review status: criteria provided, conflicting classifications (1 of 4 stars). 3 submissions from 3 submitters: Uncertain significance (2); Benign (1). Last evaluated 2025-07-31.

Conditions:
Inborn genetic diseases. Identifiers: MedGen C0950123, MeSH D030342.
Exostoses, multiple, type 2 (EXT2). Also called: Hereditary Multiple Osteochondromatosis, Type II; EXOSTOSES, MULTIPLE, TYPE II. Identifiers: Orphanet 321, MedGen C1851413, MONDO:0007586, OMIM 133701.

Allele frequency attached by ClinVar (database versions not stated): gnomAD exomes 0.00002; TOPMed 0.00002.
gnomAD v4.1: 33 of 1,613,942 alleles (0.002%); highest among the groups gnomAD compares: Middle Eastern, 0.033%; no homozygotes.

Submissions (3):

Ambry Genetics
Classification: Uncertain significance for Inborn genetic diseases. Last evaluated: 2025-07-31. Review status: criteria provided, single submitter. Criteria: Ambry Variant Classification Scheme 2023. Collection method: clinical testing. Allele origin: germline.

Labcorp Genetics (formerly Invitae), Labcorp
Classification: Uncertain significance for Exostoses, multiple, type 2. Last evaluated: 2024-06-12. Review status: criteria provided, single submitter. Criteria: Invitae Variant Classification Sherloc (09022015). Collection method: clinical testing. Allele origin: germline.
Comment: This sequence change replaces arginine, which is basic and polar, with glutamine, which is neutral and polar, at codon 417 of the EXT2 protein (p.Arg417Gln). This variant is present in population databases (rs753542290, gnomAD 0.02%). This variant has not been reported in the literature in individuals affected with EXT2-related conditions. ClinVar contains an entry for this variant (Variation ID: 879622). Advanced modeling of protein sequence and biophysical properties (such as structural, functional, and spatial information, amino acid conservation, physicochemical variation, residue mobility, and thermodynamic stability) performed at Invitae indicates that this missense variant is expected to disrupt EXT2 protein function with a positive predictive value of 80%. In summary, the available evidence is currently insufficient to determine the role of this variant in disease. Therefore, it has been classified as a Variant of Uncertain Significance.

Illumina Laboratory Services, Illumina
Classification: Benign for Exostoses, multiple, type 2. Last evaluated: 2017-08-01. Review status: criteria provided, single submitter. Criteria: ICSL Variant Classification Criteria 13 December 2019. Collection method: clinical testing. Allele origin: germline.
Comment: This variant was observed as part of a predisposition screen in an ostensibly healthy population. A literature search was performed for the gene, cDNA change, and amino acid change (where applicable). No publications were found based on this search. Allele frequency data from public databases was too high to be consistent with this variant causing disease. Therefore, this variant is classified as benign.